The following is an entry in ClinVar:

NM_032776.3(JMJD1C):c.4421C>T (p.Ser1474Leu)

Gene: JMJD1C (jumonji domain containing 1C; minus strand). Cytogenetic location: 10q21.3.
Variant type: single nucleotide variant.
Coding change: c.4421C>T on transcript NM_032776.3 (MANE Select); coding-DNA position 4421, C replaced by T.
Protein change: p.Ser1474Leu; replaces serine 1474 with leucine.
Molecular consequence: missense variant. On other transcripts: non-coding transcript variant (1).
Genome position (GRCh38, 1-based): chr10:63,207,248, G>A on the plus strand (C>T on the coding strand, the complement: JMJD1C is on the minus strand). VCF-style: chr10-63207248-G-A. GRCh37 (hg19) VCF-style: chr10-64967008-G-A.
Other names: c.3875C>T, p.Ser1292Leu (NM_001282948.2, NM_001318154.2); c.3557C>T, p.Ser1186Leu (NM_001318153.2); c.4307C>T, p.Ser1436Leu (NM_001322252.2); c.3764C>T, p.Ser1255Leu (NM_001322254.2, NM_001322258.2); short protein forms S1474L, S1255L, S1436L, S1186L, S1292L.
Identifiers: ClinVar variation 641800 (VCV000641800.8), dbSNP rs1589146964, ClinGen allele CA377037561.

ClinVar aggregate classification (germline): Uncertain significance (1 of 4 stars; one submission).

Conditions:
Early Myoclonic Encephalopathy. Identifiers: MedGen C0270855.

Allele frequency attached by ClinVar (database versions not stated): gnomAD exomes 0.00001.
gnomAD v4.1: 10 of 1,614,048 alleles (0.00062%); highest among the groups gnomAD compares: Admixed American, 0.0017%; no homozygotes.

Submission:

Labcorp Genetics (formerly Invitae), Labcorp
Classification: Uncertain significance for Early Myoclonic Encephalopathy. Last evaluated: 2022-09-01. Review status: criteria provided, single submitter. Criteria: Invitae Variant Classification Sherloc (09022015). Collection method: clinical testing. Allele origin: germline.
Comment: In summary, the available evidence is currently insufficient to determine the role of this variant in disease. Therefore, it has been classified as a Variant of Uncertain Significance. Algorithms developed to predict the effect of missense changes on protein structure and function output the following: SIFT: "Deleterious"; PolyPhen-2: "Benign"; Align-GVGD: "Class C0". The leucine amino acid residue is found in multiple mammalian species, which suggests that this missense change does not adversely affect protein function. ClinVar contains an entry for this variant (Variation ID: 641800). This variant has not been reported in the literature in individuals affected with JMJD1C-related conditions. This variant is not present in population databases (gnomAD no frequency). This sequence change replaces serine, which is neutral and polar, with leucine, which is neutral and non-polar, at codon 1474 of the JMJD1C protein (p.Ser1474Leu).